The following is an entry in ClinVar:

NM_000718.4(CACNA1B):c.545C>T (p.Ala182Val)

Gene: CACNA1B (calcium voltage-gated channel subunit alpha1 B; plus strand). Cytogenetic location: 9q34.3.
Variant type: single nucleotide variant.
Coding change: c.545C>T on transcript NM_000718.4 (MANE Select); coding-DNA position 545, C replaced by T.
Protein change: p.Ala182Val; replaces alanine 182 with valine.
Molecular consequence: missense variant.
Genome position (GRCh38, 1-based): chr9:137,913,194, C>T. VCF-style: chr9-137913194-C-T. GRCh37 (hg19) VCF-style: chr9-140807646-C-T.
Other names: c.545C>T, p.Ala182Val (NM_001243812.2); short protein forms A182V.
Identifiers: ClinVar variation 2045077 (VCV002045077.4), dbSNP rs199717108, ClinGen allele CA201837308.

ClinVar aggregate classification (germline): Uncertain significance (1 of 4 stars; one submission).

Allele frequency attached by ClinVar (database versions not stated): TOPMed 0.00001; gnomAD exomes below 0.00001; gnomAD 0.00001.
gnomAD v4.1: 8 of 1,613,774 alleles (0.0005%); highest among the groups gnomAD compares: Non-Finnish European, 0.00068%; no homozygotes.

Submission:

Labcorp Genetics (formerly Invitae), Labcorp
Classification: Uncertain significance. Last evaluated: 2022-04-21. Review status: criteria provided, single submitter. Criteria: Invitae Variant Classification Sherloc (09022015). Collection method: clinical testing. Allele origin: germline.
Comment: Advanced modeling of protein sequence and biophysical properties (such as structural, functional, and spatial information, amino acid conservation, physicochemical variation, residue mobility, and thermodynamic stability) performed at Invitae indicates that this missense variant is not expected to disrupt CACNA1B protein function. In summary, the available evidence is currently insufficient to determine the role of this variant in disease. Therefore, it has been classified as a Variant of Uncertain Significance. This variant has not been reported in the literature in individuals affected with CACNA1B-related conditions. This variant is not present in population databases (gnomAD no frequency). This sequence change replaces alanine, which is neutral and non-polar, with valine, which is neutral and non-polar, at codon 182 of the CACNA1B protein (p.Ala182Val).